The following is an entry in ClinVar:

NM_173598.6(KSR2):c.1575G>A (p.Thr525=)

Gene: KSR2 (kinase suppressor of ras 2; minus strand). Cytogenetic location: 12q24.22.
Variant type: single nucleotide variant.
Coding change: c.1575G>A on transcript NM_173598.6 (MANE Select); coding-DNA position 1575, G replaced by A.
Protein change: p.Thr525=; no amino-acid change (threonine 525 retained).
Molecular consequence: synonymous variant.
Genome position (GRCh38, 1-based): chr12:117,539,831, C>T on the plus strand (G>A on the coding strand, the complement: KSR2 is on the minus strand). VCF-style: chr12-117539831-C-T. GRCh37 (hg19) VCF-style: chr12-117977636-C-T.
Identifiers: ClinVar variation 3049204 (VCV003049204.2), dbSNP rs756688718, ClinGen allele CA6815988.
Genomic context (GRCh38, chr12:117,539,831, plus strand): 5'-GGGAGAAGGCGGCGTGGCACTAGGAGGGAGGGGGGGTGCTGGCGAGGAGGGCGTGGAGGA[C>T]GTCGTGGAGGAGGGGTTGCTGCTGGAGTCTGGCTGGTAAGGGACAGGGATGTGGTCCTGC-3'
Protein context (NP_775869.4, residues 515-535): PDSSSNPSST[Thr525=]SSTPSSPAPP

ClinVar aggregate classification (germline): Likely benign (0 of 4 stars; one submission).

Conditions:
KSR2-related disorder. Also called: KSR2-related condition.

Allele frequency attached by ClinVar (database versions not stated): ExAC 0.00001; gnomAD exomes 0.00001; gnomAD 0.00002; TOPMed 0.00002.
gnomAD v4.1: 11 of 1,610,068 alleles (0.00068%); highest among the groups gnomAD compares: African/African-American, 0.0027%; no homozygotes.

Submission:

PreventionGenetics, part of Exact Sciences
Classification: Likely benign for KSR2-related condition. Last evaluated: 2019-12-02. Review status: no assertion criteria provided. Collection method: clinical testing. Allele origin: germline.
Comment: This variant is classified as likely benign based on ACMG/AMP sequence variant interpretation guidelines (Richards et al. 2015 PMID: 25741868, with internal and published modifications).